The following is an entry in ClinVar:

ClinVar aggregate classification (germline): Pathogenic/Likely pathogenic. Review status: criteria provided, multiple submitters, no conflicts (2 of 4 stars). 2 submissions from 2 submitters: Pathogenic (1); Likely pathogenic (1). Last evaluated 2024-09-04.

Conditions:
Glycogen storage disease, type VII (GSD7). Also called: GSD VII; MUSCLE PHOSPHOFRUCTOKINASE DEFICIENCY; PFKM DEFICIENCY; TARUI DISEASE. Identifiers: Orphanet 371, MedGen C0017926, MONDO:0009295, OMIM 232800.

Submissions (2):

Natera, Inc.
Classification: Likely pathogenic for Glycogen storage disease type VII. Last evaluated: 2024-09-04. Review status: criteria provided, single submitter. Criteria: Natera Variant Classification Schema (03/2026). Collection method: clinical testing. Allele origin: germline.
Comment: The c.381_385dupCTTCC variant in PFKM is a frameshift variant predicted to shift the reading frame beginning at codon 129 and leads to a stop codon 10 codons downstream. This variant is expected to result in nonsense mediated decay, truncation, or a dysfunctional protein product. This variant is rare in the general population with a frequency below the threshold expected for the associated phenotype(s). Given the available evidence, this variant is classified as Likely Pathogenic.

Labcorp Genetics (formerly Invitae), Labcorp
Classification: Pathogenic for Glycogen storage disease, type VII. Last evaluated: 2024-01-13. Review status: criteria provided, single submitter. Criteria: Invitae Variant Classification Sherloc (09022015). Collection method: clinical testing. Allele origin: germline.
Comment: This sequence change creates a premature translational stop signal (p.Arg129Profs*10) in the PFKM gene. It is expected to result in an absent or disrupted protein product. Loss-of-function variants in PFKM are known to be pathogenic (PMID: 7825568, 8037209). This variant is not present in population databases (gnomAD no frequency). This variant has not been reported in the literature in individuals affected with PFKM-related conditions. ClinVar contains an entry for this variant (Variation ID: 1371672). For these reasons, this variant has been classified as Pathogenic.

Literature cited by the submitters: PubMed 7825568 (cited by Labcorp Genetics (formerly Invitae), Labcorp); PubMed 8037209 (cited by Labcorp Genetics (formerly Invitae), Labcorp).

NM_000289.6(PFKM):c.381_385dup (p.Arg129fs)

Gene: PFKM (phosphofructokinase, muscle; plus strand). Cytogenetic location: 12q13.11.
Variant type: Duplication.
Coding change: c.381_385dup on transcript NM_000289.6 (MANE Select); coding-DNA positions 381 to 385, 5 bases duplicated (CTTCC; older notation c.381_385dupCTTCC).
Protein change: p.Arg129fs; shifts the reading frame from arginine 129.
Molecular consequence: frameshift variant. On other transcripts: non-coding transcript variant (6).
Genome position (GRCh38, 1-based): chr12:48,133,011-48,133,015, CTTCC duplicated; duplicating any 5 consecutive bases within chr12:48,133,010-48,133,015 gives the same sequence; the c. name uses the placement nearest the transcript's 3' end. VCF-style (leftmost placement, unchanged base first): chr12-48133009-A-ACCTTC. GRCh37 (hg19) VCF-style: chr12-48526792-A-ACCTTC.
Other names: c.594_598dup, p.Arg200fs (NM_001166686.2, NM_001354737.1, NM_001354738.1 and 1 more transcripts); c.381_385dup, p.Arg129fs (NM_001166687.2, NM_001166688.2, NM_001354742.2 and 4 more transcripts); c.690_694dup, p.Arg232fs (NM_001354735.1, NM_001354736.1); c.525_529dup, p.Arg177fs (NM_001354740.1); c.405_409dup, p.Arg137fs (NM_001354741.2); c.294_298dup, p.Arg100fs (NM_001354745.2); c.231_235dup, p.Arg79fs (NM_001354747.2, NM_001354748.2); c.381_385dupCTTCC (NM_000289.5); short protein forms R79fs, R137fs, R100fs, R129fs, R200fs, R232fs, R177fs.
Identifiers: ClinVar variation 1371672 (VCV001371672.7), dbSNP rs2135886253, ClinGen allele CA2573148744.